The following is an entry in ClinVar:

ClinVar aggregate classification (germline): Likely benign. Review status: criteria provided, single submitter (1 of 4 stars). 2 submissions from 2 submitters: Likely benign (1). 1 of the submissions does not count toward it. Last evaluated 2025-12-09.

Conditions:
JUP-related disorder. Also called: JUP-related condition.
Arrhythmogenic right ventricular dysplasia 12. Also called: ARRHYTHMOGENIC RIGHT VENTRICULAR DYSPLASIA, FAMILIAL, 12. Identifiers: MedGen C1969081, MONDO:0012684, OMIM 611528.
Naxos disease (NXD). Also called: KERATOSIS PALMOPLANTARIS WITH ARRHYTHMOGENIC CARDIOMYOPATHY; MAL DE NAXOS; WOOLLY HAIR, PALMOPLANTAR KERATODERMA, AND CARDIAC ABNORMALITIES; PALMOPLANTAR KERATODERMA WITH ARRHYTHMOGENIC RIGHT VENTRICULAR CARDIOMYOPATHY AND WOOLLY HAIR; CARDIOMYOPATHY, ARRHYTHMOGENIC RIGHT VENTRICULAR, WITH SKIN, HAIR, AND NAIL ABNORMALITIES. Identifiers: Orphanet 34217, MedGen C1832600, MONDO:0011017, OMIM 601214.

Allele frequency attached by ClinVar (database versions not stated): gnomAD exomes below 0.00001.
gnomAD v4.1: 1 of 1,614,140 alleles (0.000062%); highest among the groups gnomAD compares: Admixed American, 0.0017%; no homozygotes.

Submissions (2):

Labcorp Genetics (formerly Invitae), Labcorp
Classification: Likely benign for Arrhythmogenic right ventricular dysplasia 12; Naxos disease. Last evaluated: 2025-12-09. Review status: criteria provided, single submitter. Criteria: Invitae Variant Classification Sherloc (09022015). Collection method: clinical testing. Allele origin: germline.

PreventionGenetics, part of Exact Sciences
Classification: Likely benign for JUP-related condition. Last evaluated: 2019-06-04. Review status: no assertion criteria provided. Collection method: clinical testing. Allele origin: germline. Not counted in ClinVar's aggregate classification.
Comment: This variant is classified as likely benign based on ACMG/AMP sequence variant interpretation guidelines (Richards et al. 2015 PMID: 25741868, with internal and published modifications).

NM_002230.4(JUP):c.1434C>A (p.Leu478=)

Gene: JUP (junction plakoglobin; minus strand). Cytogenetic location: 17q21.2.
Variant type: single nucleotide variant.
Coding change: c.1434C>A on transcript NM_002230.4 (MANE Select); coding-DNA position 1434, C replaced by A.
Protein change: p.Leu478=; no amino-acid change (leucine 478 retained).
Molecular consequence: synonymous variant.
Genome position (GRCh38, 1-based): chr17:41,763,046, G>T on the plus strand (C>A on the coding strand, the complement: JUP is on the minus strand). VCF-style: chr17-41763046-G-T. GRCh37 (hg19) VCF-style: chr17-39919298-G-T.
Other names: c.1434C>A (NM_021991.2); c.1434C>A, p.Leu478= (NM_001352773.2, NM_001352774.2, NM_001352775.2 and 3 more transcripts).
Identifiers: ClinVar variation 723939 (VCV000723939.8), dbSNP rs1597801519, ClinGen allele CA500023663.